The following is an entry in ClinVar:

ClinVar aggregate classification (germline): Uncertain significance (1 of 4 stars; one submission).

Conditions:
CSMD1-related disorder. Also called: CSMD1-related condition.

Allele frequency attached by ClinVar (database versions not stated): TOPMed below 0.00001; gnomAD 0.00001; gnomAD exomes 0.00001.
gnomAD v4.1: 9 of 1,600,180 alleles (0.00056%); highest among the groups gnomAD compares: South Asian, 0.0011%; no homozygotes.

Submission:

PreventionGenetics, part of Exact Sciences
Classification: Uncertain significance for CSMD1-related condition. Last evaluated: 2025-10-15. Review status: criteria provided, single submitter. Criteria: ACMG Guidelines, 2015. Collection method: clinical testing. Allele origin: germline.
Comment: The CSMD1 c.7679T>C variant is predicted to result in the amino acid substitution p.Ile2560Thr. To our knowledge, this variant has not been reported in the literature or in a large population database (gnomAD), indicating this variant is rare. At this time, the clinical significance of this variant is uncertain due to the absence of conclusive functional and genetic evidence.

NM_033225.6(CSMD1):c.7679T>C (p.Ile2560Thr)

Gene: CSMD1 (CUB and Sushi multiple domains 1; minus strand). Cytogenetic location: 8p23.2.
Variant type: single nucleotide variant.
Coding change: c.7679T>C on transcript NM_033225.6 (MANE Select); coding-DNA position 7679, T replaced by C.
Protein change: p.Ile2560Thr; replaces isoleucine 2560 with threonine.
Molecular consequence: missense variant.
Genome position (GRCh38, 1-based): chr8:3,029,495, A>G on the plus strand (T>C on the coding strand, the complement: CSMD1 is on the minus strand). VCF-style: chr8-3029495-A-G. GRCh37 (hg19) VCF-style: chr8-2887017-A-G.
Other names: short protein forms I2560T.
Identifiers: ClinVar variation 3050995 (VCV003050995.3), dbSNP rs1455552332, ClinGen allele CA369974065.
Genomic context (GRCh38, chr8:3,029,495, plus strand): 5'-TACTCATTCAAGGATCCTGAAACCAGCCTCCAGATGACATGTTCTGAGAGCTGAGCTTCA[A>G]TGCTGGGGCAAGCGACCGCTGGAAGGGAAACGTACATCACATCATCATTTTTCTTTTTTG-3'
Protein context (NP_150094.5, residues 2550-2570): PTCKPVACPS[Ile2560Thr]EAQLSEHVIW